The following is an entry in ClinVar:

NM_000287.4(PEX6):c.2419T>C (p.Ser807Pro)

Gene: PEX6 (peroxisomal biogenesis factor 6; minus strand). Cytogenetic location: 6p21.1.
Variant type: single nucleotide variant.
Coding change: c.2419T>C on transcript NM_000287.4 (MANE Select); coding-DNA position 2419, T replaced by C.
Protein change: p.Ser807Pro; replaces serine 807 with proline.
Molecular consequence: missense variant. On other transcripts: non-coding transcript variant (1).
Genome position (GRCh38, 1-based): chr6:42,965,733, A>G on the plus strand (T>C on the coding strand, the complement: PEX6 is on the minus strand). VCF-style: chr6-42965733-A-G. GRCh37 (hg19) VCF-style: chr6-42933471-A-G.
Other names: c.2155T>C, p.Ser719Pro (NM_001316313.2); short protein forms S719P, S807P.
Identifiers: ClinVar variation 2008127 (VCV002008127.4), dbSNP rs1228322685, ClinGen allele CA364151486.
Genomic context (GRCh38, chr6:42,965,733, plus strand): 5'-ACCCCTACCTGTCCATCACTCCTCCAGAATCTCCACTTCGCCCCCGGCTTGGGGCCAAAG[A>G]GTCCAGTTCATCAAAGAAGATAATGCATGGAGCTGCAGCCCTGGCCCTGGCAAACACTGA-3'
Protein context (NP_000278.3, residues 797-817): PCIIFFDELD[Ser807Pro]LAPSRGRSGD

ClinVar aggregate classification (germline): Uncertain significance (1 of 4 stars; one submission).

Conditions:
Peroxisome biogenesis disorder. Identifiers: Orphanet 79189, MedGen C1832200, MONDO:0019234. Disease mechanism: loss of function.

Submission:

Labcorp Genetics (formerly Invitae), Labcorp
Classification: Uncertain significance for Peroxisome biogenesis disorder. Last evaluated: 2023-07-10. Review status: criteria provided, single submitter. Criteria: Invitae Variant Classification Sherloc (09022015). Collection method: clinical testing. Allele origin: germline.
Comment: This variant has not been reported in the literature in individuals affected with PEX6-related conditions. In summary, the available evidence is currently insufficient to determine the role of this variant in disease. Therefore, it has been classified as a Variant of Uncertain Significance. Advanced modeling of protein sequence and biophysical properties (such as structural, functional, and spatial information, amino acid conservation, physicochemical variation, residue mobility, and thermodynamic stability) performed at Invitae indicates that this missense variant is expected to disrupt PEX6 protein function. ClinVar contains an entry for this variant (Variation ID: 2008127). This variant is not present in population databases (gnomAD no frequency). This sequence change replaces serine, which is neutral and polar, with proline, which is neutral and non-polar, at codon 807 of the PEX6 protein (p.Ser807Pro).